The following is an entry in ClinVar:

NM_000489.6(ATRX):c.7327A>G (p.Asn2443Asp)

Gene: ATRX (ATRX chromatin remodeler; minus strand). Cytogenetic location: Xq21.1.
Variant type: single nucleotide variant.
Coding change: c.7327A>G on transcript NM_000489.6 (MANE Select); coding-DNA position 7327, A replaced by G.
Protein change: p.Asn2443Asp; replaces asparagine 2443 with aspartic acid.
Molecular consequence: missense variant.
Genome position (GRCh38, 1-based): chrX:77,508,503, T>C on the plus strand (A>G on the coding strand, the complement: ATRX is on the minus strand). VCF-style: chrX-77508503-T-C. GRCh37 (hg19) VCF-style: chrX-76763981-T-C.
Other names: c.7213A>G, p.Asn2405Asp (NM_138270.5); short protein forms N2405D, N2443D.
Identifiers: ClinVar variation 4525736 (VCV004525736.1).

ClinVar aggregate classification (germline): Uncertain significance (1 of 4 stars; one submission).

Submission:

Women's Health and Genetics/Laboratory Corporation of America, LabCorp
Classification: Uncertain significance. Last evaluated: 2025-07-21. Review status: criteria provided, single submitter. Criteria: LabCorp Variant Classification Summary - May 2015. Collection method: clinical testing. Allele origin: germline.
Comment: Variant summary: ATRX c.7327A>G (p.Asn2443Asp) results in a conservative amino acid change in the encoded protein sequence. Algorithms developed to predict the effect of missense changes on protein structure and function are either unavailable or do not agree on the potential impact of this missense change. The variant was absent in 183443 control chromosomes (gnomAD). The available data on variant occurrences in the general population are insufficient to allow any conclusion about variant significance. To our knowledge, no occurrence of c.7327A>G in individuals affected with ATR-X Syndrome and no experimental evidence demonstrating its impact on protein function have been reported. No submitters have cited clinical-significance assessments for this variant to ClinVar. Based on the evidence outlined above, the variant was classified as uncertain significance.